The following is an entry in ClinVar:

NM_000349.3(STAR):c.120G>A (p.Leu40=)

Gene: STAR (steroidogenic acute regulatory protein; minus strand). Cytogenetic location: 8p11.23.
Variant type: single nucleotide variant.
Coding change: c.120G>A on transcript NM_000349.3 (MANE Select); coding-DNA position 120, G replaced by A.
Protein change: p.Leu40=; no amino-acid change (leucine 40 retained).
Molecular consequence: synonymous variant.
Genome position (GRCh38, 1-based): chr8:38,148,699, C>T on the plus strand (G>A on the coding strand, the complement: STAR is on the minus strand). VCF-style: chr8-38148699-C-T. GRCh37 (hg19) VCF-style: chr8-38006217-C-T.
Identifiers: ClinVar variation 362850 (VCV000362850.59), dbSNP rs138786388, ClinGen allele CA4715356.

ClinVar aggregate classification (germline): Conflicting classifications of pathogenicity. Review status: criteria provided, conflicting classifications (1 of 4 stars). 8 submissions from 8 submitters: Uncertain significance (1); Benign (1); Likely benign (4). 2 of the submissions do not count toward it. Last evaluated 2026-03-01.

Conditions:
STAR-related disorder. Also called: STAR-related condition.
Congenital lipoid adrenal hyperplasia due to STAR deficency. Also called: ADRENAL HYPERPLASIA I; Congenital Lipoid Adrenal Hyperplasia; Lipoid adrenal hyperplasia; Cholesterol monooxygenase (side-chain cleaving) deficiency. Identifiers: Orphanet 418, Orphanet 90790, MedGen C0342474, MONDO:0008725, OMIM 201710.

Allele frequency attached by ClinVar (database versions not stated): TOPMed 0.00272; 1000 Genomes Project 0.00280; ESP Exome Variant Server 0.00292; 1000 Genomes Project 30x 0.00312.
gnomAD v4.1: 5,293 of 1,614,106 alleles (0.33%); highest among the groups gnomAD compares: Non-Finnish European, 0.39%; 12 homozygotes.

Submissions (8):

CeGaT Center for Human Genetics Tuebingen
Classification: Likely benign. Last evaluated: 2026-03-01. Review status: criteria provided, single submitter. Criteria: CeGaT Center For Human Genetics Tuebingen Variant Classification Criteria Version 2. Collection method: clinical testing. Allele origin: germline. Affected: yes. Observed: 5 variant alleles.
Comment: STAR: BP4, BP7

Labcorp Genetics (formerly Invitae), Labcorp
Classification: Benign. Last evaluated: 2026-01-28. Review status: criteria provided, single submitter. Criteria: Invitae Variant Classification Sherloc (09022015). Collection method: clinical testing. Allele origin: germline.

Blueprint Genetics
Classification: Likely benign. Last evaluated: 2024-11-13. Review status: criteria provided, single submitter. Criteria: ACMG Guidelines, 2015. Collection method: clinical testing. Allele origin: germline.

GeneDx
Classification: Likely benign. Last evaluated: 2020-09-16. Review status: criteria provided, single submitter. Criteria: GeneDx Variant Classification Process June 2021. Collection method: clinical testing. Allele origin: germline. Affected: yes.

Genetic Services Laboratory, University of Chicago
Classification: Likely benign. Last evaluated: 2018-07-16. Review status: criteria provided, single submitter. Criteria: ACMG Guidelines, 2015. Collection method: clinical testing. Allele origin: germline. Affected: no.

Illumina Laboratory Services, Illumina
Classification: Uncertain significance for Congenital lipoid adrenal hyperplasia due to STAR deficency. Last evaluated: 2018-01-13. Review status: criteria provided, single submitter. Criteria: ICSL Variant Classification Criteria 13 December 2019. Collection method: clinical testing. Allele origin: germline.

Natera, Inc.
Classification: Likely benign for Congenital lipoid adrenal hyperplasia. Last evaluated: 2020-06-09. Review status: no assertion criteria provided. Collection method: clinical testing. Allele origin: germline. Not counted in ClinVar's aggregate classification.

PreventionGenetics, part of Exact Sciences
Classification: Likely benign for STAR-related condition. Last evaluated: 2019-06-10. Review status: no assertion criteria provided. Collection method: clinical testing. Allele origin: germline. Not counted in ClinVar's aggregate classification.
Comment: This variant is classified as likely benign based on ACMG/AMP sequence variant interpretation guidelines (Richards et al. 2015 PMID: 25741868, with internal and published modifications).